The following is an entry in ClinVar:

NM_001378778.1(MPDZ):c.349C>G (p.Pro117Ala)

Gene: MPDZ (multiple PDZ domain crumbs cell polarity complex component; minus strand). Cytogenetic location: 9p23.
Variant type: single nucleotide variant.
Coding change: c.349C>G on transcript NM_001378778.1 (MANE Select); coding-DNA position 349, C replaced by G.
Protein change: p.Pro117Ala; replaces proline 117 with alanine.
Molecular consequence: missense variant.
Genome position (GRCh38, 1-based): chr9:13,224,418, G>C on the plus strand (C>G on the coding strand, the complement: MPDZ is on the minus strand). VCF-style: chr9-13224418-G-C. GRCh37 (hg19) VCF-style: chr9-13224417-G-C.
Other names: c.349C>G (NM_003829.4); c.349C>G, p.Pro117Ala (NM_001261406.2, NM_001261407.2, NM_001330637.2 and 14 more transcripts); short protein forms P117A.
Identifiers: ClinVar variation 1152847 (VCV001152847.10), dbSNP rs180982068, ClinGen allele CA4988151.
Genomic context (GRCh38, chr9:13,224,418, plus strand): 5'-AAAGAAATGTTCTTACCTGGGCCATATTTTTGATAAGCTGATCAAATTCATCACAAGCAG[G>C]TTTCCCATTAATGTGTGGAATACCAGGTCCTGTAAGTGCTTCCAGATTCCCATTGTTTGG-3'
Protein context (NP_001365707.1, residues 107-127): GPGIPHINGK[Pro117Ala]ACDEFDQLIK

ClinVar aggregate classification (germline): Likely benign. Review status: criteria provided, multiple submitters, no conflicts (2 of 4 stars). 2 submissions from 2 submitters: Likely benign (2). Last evaluated 2025-12-02.

Conditions:
MPDZ-related disorder. Also called: MPDZ-related condition.

Allele frequency attached by ClinVar (database versions not stated): 1000 Genomes Project 30x 0.00031.
gnomAD v4.1: 270 of 1,612,690 alleles (0.017%); highest among the groups gnomAD compares: South Asian, 0.28%; 1 homozygote.

Submissions (2):

Labcorp Genetics (formerly Invitae), Labcorp
Classification: Likely benign. Last evaluated: 2025-12-02. Review status: criteria provided, single submitter. Criteria: Invitae Variant Classification Sherloc (09022015). Collection method: clinical testing. Allele origin: germline.

PreventionGenetics, part of Exact Sciences
Classification: Likely benign for MPDZ-related condition. Last evaluated: 2025-07-01. Review status: criteria provided, single submitter. Criteria: ACMG Guidelines, 2015. Collection method: clinical testing. Allele origin: germline.
Comment: This variant is classified as likely benign based on ACMG/AMP sequence variant interpretation guidelines (Richards et al. 2015 PMID: 25741868, with internal and published modifications).